The following is an entry in ClinVar:

NC_000015.9:g.(44876757_44877833)_(44881613_44884528)dup

Gene: SPG11 (SPG11 vesicle trafficking associated, spatacsin; minus strand). Cytogenetic location: 15q21.1.
Variant type: Duplication.
Identifiers: ClinVar variation 2429288 (VCV002429288.4).

ClinVar aggregate classification (germline): Pathogenic (1 of 4 stars; one submission).

Conditions:
Hereditary spastic paraplegia. Also called: Familial spastic paraparesis. Identifiers: Orphanet 685, MedGen C0037773, MONDO:0019064. Disease mechanism: loss of function.

Submission:

Women's Health and Genetics/Laboratory Corporation of America, LabCorp
Classification: Pathogenic for Hereditary spastic paraplegia. Last evaluated: 2025-11-20. Review status: criteria provided, single submitter. Criteria: LabCorp Variant Classification Summary - May 2015. Collection method: clinical testing. Allele origin: germline.
Comment: Variant summary: The variant involves the duplication of exons 28-29 in the SPG11 gene. A presumed nomenclature of c.(4743+1_4744-1)_(5121+1_5122-1)dup has been designated for the purposes of this classification. It is assumed to be a tandem duplication in direct orientation (PMIDs: 25640679, 30054569). This Copy Number Variant (CNV) is predicted to result in an in-frame duplication within this gene. The variant was absent in 21694 control chromosomes. c.(4743+1_4744-1)_(5121+1_5122-1)dup has been observed in multiple individuals affected with Hereditary Spastic Paraplegia, Type 11 (e.g. Gunther_2016, Elert-Dobkowska_2019, Rudenskaya_2020, Peric_2022). These data indicate that the variant is very likely to be associated with disease. To our knowledge, no experimental evidence demonstrating an impact on protein function has been reported. The following publications have been ascertained in the context of this evaluation (PMID: 30778698, 27071356, 36139378). ClinVar contains an entry for this variant (Variation ID: 1401767). Based on the evidence outlined above, the variant was classified as pathogenic.

Literature cited by the submitters: PubMed 27071356; PubMed 30778698; PubMed 36139378.